The following is an entry in ClinVar:

ClinVar aggregate classification (germline): Likely pathogenic (1 of 4 stars; one submission).

Conditions:
Cardiovascular phenotype. Identifiers: MedGen CN230736.
Hereditary cancer-predisposing syndrome. Also called: Neoplastic Syndromes, Hereditary; Tumor predisposition; Hereditary Cancer Syndrome; Hereditary neoplastic syndrome. Identifiers: Orphanet 140162, MedGen C0027672, MeSH D009386, MONDO:0015356.

Submission:

Ambry Genetics
Classification: Likely pathogenic for Cardiovascular phenotype; Hereditary cancer-predisposing syndrome. Last evaluated: 2026-06-05. Review status: criteria provided, single submitter. Criteria: Ambry Variant Classification Scheme 2023. Collection method: clinical testing. Allele origin: germline.
Comment: The c.6856_6858+5DELAAGGTAAT variant results from a deletion of 8 nucleotides between positions 6856 and 6858+5 and involves the canonical splice donor site after coding exon 45 of the NF1 gene. Variants that disrupt the canonical splice site are expected to result in aberrant splicing. In silico splice site analysis predicts that this alteration may weaken the native splice donor site. A resulting transcript is predicted to be in-frame and is not expected to trigger nonsense-mediated mRNAdecay; the region predicted to be impacted is critical for protein function (Ambry internal data). RNA studies have demonstrated that this variant results in abnormal splicing in the set of samples tested (Ambry internal data). This variant is considered to be rare based on population cohorts in the Genome Aggregation Database (gnomAD). Based on the majority of available evidence to date, this variant is likely to be pathogenic.

NM_001042492.3(NF1):c.6919_6921+5del

Gene: NF1 (neurofibromin 1; plus strand). Cytogenetic location: 17q11.2.
Variant type: Deletion.
Coding change: c.6919_6921+5del on transcript NM_001042492.3 (MANE Select); coding-DNA position 6919 through 5 bases into the intron after coding-DNA position 6921, 8 bases deleted (AAGGTAAT; older notation c.6919_6921+5delAAGGTAAT).
Molecular consequence: splice donor variant.
Genome position (GRCh38, 1-based): chr17:31,338,803-31,338,810, AAGGTAAT deleted; deleting any 8 consecutive bases within chr17:31,338,799-31,338,810 gives the same sequence; the c. name uses the placement nearest the transcript's 3' end. VCF-style (leftmost placement, unchanged base first): chr17-31338798-TTAATAAGG-T. GRCh37 (hg19) VCF-style: chr17-29665816-TTAATAAGG-T.
Other names: c.6856_6858+5del (NM_000267.4).
Identifiers: ClinVar variation 4860979 (VCV004860979.1).